The following is an entry in ClinVar:

ClinVar aggregate classification (germline): Uncertain significance. Review status: criteria provided, multiple submitters, no conflicts (2 of 4 stars). 2 submissions from 2 submitters: Uncertain significance (2). Last evaluated 2022-05-15.

Submissions (2):

Labcorp Genetics (formerly Invitae), Labcorp
Classification: Uncertain significance. Last evaluated: 2022-05-15. Review status: criteria provided, single submitter. Criteria: Invitae Variant Classification Sherloc (09022015). Collection method: clinical testing. Allele origin: germline.
Comment: This missense change has been observed in individual(s) with retinitis pigmentosa (Invitae). This variant is not present in population databases (gnomAD no frequency). This sequence change replaces isoleucine, which is neutral and non-polar, with asparagine, which is neutral and polar, at codon 274 of the PRPF31 protein (p.Ile274Asn). Algorithms developed to predict the effect of missense changes on protein structure and function (SIFT, PolyPhen-2, Align-GVGD) all suggest that this variant is likely to be disruptive. In summary, the available evidence is currently insufficient to determine the role of this variant in disease. Therefore, it has been classified as a Variant of Uncertain Significance.

Blueprint Genetics
Classification: Uncertain significance. Last evaluated: 2019-10-07. Review status: criteria provided, single submitter. Criteria: ACMG Guidelines, 2015. Collection method: clinical testing. Allele origin: germline.

NM_015629.4(PRPF31):c.821T>A (p.Ile274Asn)

Gene: PRPF31 (pre-mRNA processing factor 31; plus strand). Cytogenetic location: 19q13.42.
Variant type: single nucleotide variant.
Coding change: c.821T>A on transcript NM_015629.4 (MANE Select); coding-DNA position 821, T replaced by A.
Protein change: p.Ile274Asn; replaces isoleucine 274 with asparagine.
Molecular consequence: missense variant.
Genome position (GRCh38, 1-based): chr19:54,124,622, T>A. VCF-style: chr19-54124622-T-A. GRCh37 (hg19) VCF-style: chr19-54628001-T-A.
Other names: short protein forms I274N.
Identifiers: ClinVar variation 1994680 (VCV001994680.5), dbSNP rs2073875700, ClinGen allele CA407751372.